The following is an entry in ClinVar:

ClinVar aggregate classification (germline): Uncertain significance (1 of 4 stars; one submission).

Allele frequency attached by ClinVar (database versions not stated): TOPMed 0.00001.

Submission:

Labcorp Genetics (formerly Invitae), Labcorp
Classification: Uncertain significance. Last evaluated: 2024-05-28. Review status: criteria provided, single submitter. Criteria: Invitae Variant Classification Sherloc (09022015). Collection method: clinical testing. Allele origin: germline.
Comment: This sequence change replaces asparagine, which is neutral and polar, with serine, which is neutral and polar, at codon 449 of the TNFAIP3 protein (p.Asn449Ser). This variant is not present in population databases (gnomAD no frequency). This variant has not been reported in the literature in individuals affected with TNFAIP3-related conditions. Advanced modeling of protein sequence and biophysical properties (such as structural, functional, and spatial information, amino acid conservation, physicochemical variation, residue mobility, and thermodynamic stability) performed at Invitae indicates that this missense variant is not expected to disrupt TNFAIP3 protein function with a negative predictive value of 80%. In summary, the available evidence is currently insufficient to determine the role of this variant in disease. Therefore, it has been classified as a Variant of Uncertain Significance.

NM_001270508.2(TNFAIP3):c.1346A>G (p.Asn449Ser)

Gene: TNFAIP3 (TNF alpha induced protein 3; plus strand). Cytogenetic location: 6q23.3.
Variant type: single nucleotide variant.
Coding change: c.1346A>G on transcript NM_001270508.2 (MANE Select); coding-DNA position 1346, A replaced by G.
Protein change: p.Asn449Ser; replaces asparagine 449 with serine.
Molecular consequence: missense variant.
Genome position (GRCh38, 1-based): chr6:137,878,791, A>G. VCF-style: chr6-137878791-A-G. GRCh37 (hg19) VCF-style: chr6-138199928-A-G.
Other names: c.1346A>G, p.Asn449Ser (NM_001270507.2, NM_006290.4); short protein forms N449S.
Identifiers: ClinVar variation 2717419 (VCV002717419.3), dbSNP rs768003499, ClinGen allele CA365789826.